The following is an entry in ClinVar:

ClinVar aggregate classification (germline): Likely benign (1 of 4 stars; one submission).

Allele frequency attached by ClinVar (database versions not stated): TOPMed 0.00005; gnomAD exomes 0.00006; gnomAD 0.00008.
gnomAD v4.1: 106 of 1,550,308 alleles (0.0068%); highest among the groups gnomAD compares: South Asian, 0.0083%; no homozygotes.

Submission:

CeGaT Center for Human Genetics Tuebingen
Classification: Likely benign. Last evaluated: 2022-10-01. Review status: criteria provided, single submitter. Criteria: CeGaT Center For Human Genetics Tuebingen Variant Classification Criteria Version 2. Collection method: clinical testing. Allele origin: germline. Affected: yes. Observed: 1 variant allele.
Comment: CFAP57: BP4, BP7

NM_001378189.1(CFAP57):c.3723C>T (p.Ser1241=)

Genes: CFAP57 (cilia and flagella associated protein 57; plus strand), EBNA1BP2 (EBNA1 binding protein 2; minus strand), LOC105378685 (uncharacterized LOC105378685; minus strand). Cytogenetic location: 1p34.2.
Variant type: single nucleotide variant.
Coding change: c.3723C>T on transcript NM_001378189.1 (MANE Select); coding-DNA position 3723, C replaced by T.
Protein change: p.Ser1241=; no amino-acid change (serine 1241 retained).
Molecular consequence: synonymous variant.
Genome position (GRCh38, 1-based): chr1:43,254,161, C>T. VCF-style: chr1-43254161-C-T. GRCh37 (hg19) VCF-style: chr1-43719832-C-T.
Other names: c.3822C>T, p.Ser1274= (NM_001195831.3).
Identifiers: ClinVar variation 2638742 (VCV002638742.24), dbSNP rs752372030, ClinGen allele CA21594526.